The following is an entry in ClinVar:

ClinVar aggregate classification (germline): Uncertain significance (1 of 4 stars; one submission).

Conditions:
Familial focal epilepsy with variable foci (FPEVF). Identifiers: Orphanet 98820, MedGen C1858477, MONDO:0020310.

Submission:

Labcorp Genetics (formerly Invitae), Labcorp
Classification: Uncertain significance for Familial focal epilepsy with variable foci. Last evaluated: 2020-09-09. Review status: criteria provided, single submitter. Criteria: Invitae Variant Classification Sherloc (09022015). Collection method: clinical testing. Allele origin: germline.
Comment: This sequence change replaces leucine with phenylalanine at codon 549 of the DEPDC5 protein (p.Leu549Phe). The leucine residue is highly conserved and there is a small physicochemical difference between leucine and phenylalanine. This variant is not present in population databases (ExAC no frequency). In summary, the available evidence is currently insufficient to determine the role of this variant in disease. Therefore, it has been classified as a Variant of Uncertain Significance. Algorithms developed to predict the effect of missense changes on protein structure and function are either unavailable or do not agree on the potential impact of this missense change (SIFT: "Tolerated"; PolyPhen-2: "Not Available"; Align-GVGD: "Class C0"). This variant has not been reported in the literature in individuals with DEPDC5-related conditions.

NM_001242896.3(DEPDC5):c.1647G>C (p.Leu549Phe)

Gene: DEPDC5 (DEP domain containing 5, GATOR1 subcomplex subunit; plus strand). Cytogenetic location: 22q12.3.
Variant type: single nucleotide variant.
Coding change: c.1647G>C on transcript NM_001242896.3 (MANE Select); coding-DNA position 1647, G replaced by C.
Protein change: p.Leu549Phe; replaces leucine 549 with phenylalanine.
Molecular consequence: missense variant. On other transcripts: non-coding transcript variant (5).
Genome position (GRCh38, 1-based): chr22:31,815,193, G>C. VCF-style: chr22-31815193-G-C. GRCh37 (hg19) VCF-style: chr22-32211179-G-C.
Other names: c.1647G>C, p.Leu549Phe (NM_001007188.4, NM_001136029.4, NM_001242897.2 and 7 more transcripts); c.1563G>C, p.Leu521Phe (NM_001369901.1, NM_001369902.1); short protein forms L521F, L549F.
Identifiers: ClinVar variation 1053434 (VCV001053434.9), dbSNP rs2148760235, ClinGen allele CA411278521.
Genomic context (GRCh38, chr22:31,815,193, plus strand): 5'-TGCCAACATCCTGATGATCCCACACCCCCACCTGCACCAGTATGAAGTCAGCAGCTCCTT[G>C]GGATACACCAGCACTCGAGGTAAGAGTGCTGAAGCACAGACAGAGCCAGGGACATCTTTC-3'
Protein context (NP_001229825.1, residues 539-559): HLHQYEVSSS[Leu549Phe]GYTSTRDVLE